The following is an entry in ClinVar:

NM_004004.6(GJB2):c.516G>C (p.Trp172Cys)

Gene: GJB2 (gap junction protein beta 2; minus strand). Cytogenetic location: 13q12.11.
Variant type: single nucleotide variant.
Coding change: c.516G>C on transcript NM_004004.6 (MANE Select); coding-DNA position 516, G replaced by C.
Protein change: p.Trp172Cys; replaces tryptophan 172 with cysteine.
Molecular consequence: missense variant.
Genome position (GRCh38, 1-based): chr13:20,189,066, C>G on the plus strand (G>C on the coding strand, the complement: GJB2 is on the minus strand). VCF-style: chr13-20189066-C-G. GRCh37 (hg19) VCF-style: chr13-20763205-C-G.
Other names: short protein forms W172C.
Identifiers: ClinVar variation 590799 (VCV000590799.3), dbSNP rs1302739538, ClinGen allele CA387460990.

ClinVar aggregate classification (germline): Pathogenic. Review status: reviewed by expert panel (3 of 4 stars). 2 submissions from 2 submitters: Pathogenic (1). 1 of the submissions does not count toward it. Last evaluated 2019-07-28.

Conditions:
Nonsyndromic genetic hearing loss. Also called: Nonsyndromic genetic deafness; Non-syndromic genetic deafness; Nonsyndromic hearing loss and deafness. Identifiers: Orphanet 87884, MedGen C5680182, MONDO:0019497.
Autosomal recessive nonsyndromic hearing loss 1A (DFNB1A). Also called: Deafness, autosomal recessive 1A; GJB6-Related DFNB 1 Nonsyndromic Hearing Loss and Deafness; Nonsyndromic Hearing Loss and Deafness, DFNB1; GJB2-Related Autosomal Recessive Nonsyndromic Hearing Loss; Connexin 26 deafness; Deafness nonsyndromic, Connexin 26 linked. Identifiers: Orphanet 90636, MedGen C2673759, MONDO:0009076, OMIM 220290.

Submissions (2):

ClinGen Hearing Loss Variant Curation Expert Panel
Classification: Pathogenic for Nonsyndromic genetic hearing loss. Last evaluated: 2019-07-28. Review status: reviewed by expert panel. Criteria: ClinGen HL ACMG Specifications v1. Collection method: curation. Allele origin: germline. Inheritance: Autosomal recessive inheritance.
Comment: The p.Trp172Cys variant in the GJB2 gene was absent from gnomAD (PM2). However, this variant has been identified at an allele frequency of 1.9% (6/314) in unaffected Tuvinian individuals (PMID: 20201936). This frequency would normally lead to application of BA1 based on the thresholds defined by the ClinGen Hearing Loss Expert Panel for autosomal recessive hearing loss variants (BA1). However, the variant was found to have a statistically higher prevalence in affected Tuvinian individuals (66/440 alleles) over ethnically-matched controls (6/314 alleles) (15% vs 1.9%; p<0.0001, PS4; PMID: 20201936) suggesting that this is actually a high frequency founder variant in this population. This variant has been detected in trans with two pathogenic variants in probands with hearing loss (PM3_supporting PMID:20201936; 15790391). The p.Trp172Cys variant in GJB2 has been reported to segregate with hearing loss in at least 9 affected family members (PP1_Strong; PMID: 20201936). The REVEL computational prediction analysis tool produced a score of 0.7 (rounded up from 0.687), which is above the threshold necessary to apply PP3. In summary, this variant meets criteria to be classified as pathogenic for autosomal recessive hearing loss based on the ACMG/AMP criteria applied as specified by the Hearing Loss Expert Panel (PS4, PP1_Strong, PP3, PM3_supporting).

Laboratory of Human Molecular Genetics, Institute of Cytology and Genetics
Classification: Likely pathogenic for Autosomal recessive nonsyndromic hearing loss 1A. Review status: no assertion criteria provided. Collection method: research. Allele origin: inherited. Inheritance: Autosomal recessive inheritance. Affected: yes. Not counted in ClinVar's aggregate classification.

Literature cited by the submitters: PubMed 20201936 (cited by ClinGen Hearing Loss Variant Curation Expert Panel); PubMed 31195736 (cited by ClinGen Hearing Loss Variant Curation Expert Panel); PubMed 15790391 (cited by ClinGen Hearing Loss Variant Curation Expert Panel); DOI 10.1186/1471-2350-6-12 (cited by Laboratory of Human Molecular Genetics, Institute of Cytology and Genetics).